The following is an entry in ClinVar:

NM_080680.3(COL11A2):c.203_212delinsGGTG (p.Leu68_Pro71delinsArgCys)

Gene: COL11A2 (collagen type XI alpha 2 chain; minus strand). Cytogenetic location: 6p21.32.
Variant type: Indel.
Coding change: c.203_212delinsGGTG on transcript NM_080680.3 (MANE Select); coding-DNA positions 203 to 212, TCAGTGCACC replaced by GGTG.
Protein change: p.Leu68_Pro71delinsArgCys.
Molecular consequence: inframe indel. On other transcripts: 5 prime UTR variant (3), non-coding transcript variant (1).
Genome position (GRCh38, 1-based): chr6:33,189,340-33,189,349, GGTGCACTGA replaced by CACC on the plus strand (TCAGTGCACC replaced by GGTG on the coding strand, the reverse complement: COL11A2 is on the minus strand). VCF-style: chr6-33189340-GGTGCACTGA-CACC. GRCh37 (hg19) VCF-style: chr6-33157117-GGTGCACTGA-CACC.
Other names: c.203_212delinsGGTG, p.Leu68_Pro71delinsArgCys (NM_001163771.2, NM_001424108.1, NM_080679.3 and 1 more transcripts); c.-644_-635delinsGGTG (NM_001424109.1, NM_001424110.1, NM_001424111.1).
Identifiers: ClinVar variation 3898818 (VCV003898818.2).

ClinVar aggregate classification (germline): Uncertain significance (1 of 4 stars; one submission).

Submission:

GeneDx
Classification: Uncertain significance. Last evaluated: 2025-06-09. Review status: criteria provided, single submitter. Criteria: GeneDx Variant Classification Process June 2021. Collection method: clinical testing. Allele origin: germline.
Comment: Not observed at significant frequency in large population cohorts (gnomAD); In-frame deletion of 4 amino acids and insertion of 2 different amino acids in a non-repeat region; In silico analysis suggests that this variant does not alter protein structure/function; Has not been previously published as pathogenic or benign to our knowledge